The following is an entry in ClinVar:

NM_001374736.1(DST):c.13507G>A (p.Val4503Ile)

Gene: DST (dystonin; minus strand). Cytogenetic location: 6p12.1.
Variant type: single nucleotide variant.
Coding change: c.13507G>A on transcript NM_001374736.1 (MANE Select); coding-DNA position 13507, G replaced by A.
Protein change: p.Val4503Ile; replaces valine 4503 with isoleucine.
Molecular consequence: missense variant.
Genome position (GRCh38, 1-based): chr6:56,572,794, C>T on the plus strand (G>A on the coding strand, the complement: DST is on the minus strand). VCF-style: chr6-56572794-C-T. GRCh37 (hg19) VCF-style: chr6-56437592-C-T.
Other names: c.7150G>A, p.Val2384Ile (NM_001144769.5); c.6736G>A, p.Val2246Ile (NM_001144770.2); c.13507G>A, p.Val4503Ile (NM_001374722.1); c.12874G>A, p.Val4292Ile (NM_001374729.1); c.6616G>A, p.Val2206Ile (NM_001374730.1, NM_183380.4); c.13534G>A, p.Val4512Ile (NM_001374734.1); c.5638G>A, p.Val1880Ile (NM_015548.5); short protein forms V2246I, V2384I, V4503I, V2206I, V1880I, V4292I, V4512I.
Identifiers: ClinVar variation 965022 (VCV000965022.8), dbSNP rs1241112751, ClinGen allele CA364526978.

ClinVar aggregate classification (germline): Uncertain significance (1 of 4 stars; one submission).

Conditions:
Epidermolysis bullosa simplex 3, localized or generalized intermediate, with BP230 deficiency (EBS3). Also called: Epidermolysis bullosa simplex, autosomal recessive 2; Epidermolysis bullosa simplex due to BP230 deficiency. Identifiers: Orphanet 412181, MedGen C3809470, MONDO:0014180, OMIM 615425.
Hereditary sensory and autonomic neuropathy type 6. Also called: Neuropathy, hereditary sensory and autonomic, type VI; HSAN VI. Identifiers: Orphanet 314381, MedGen C3539003, MONDO:0013839, OMIM 614653.

Allele frequency attached by ClinVar (database versions not stated): TOPMed below 0.00001; gnomAD 0.00001.
gnomAD v4.1: 1 of 1,608,556 alleles (0.000062%); highest among the groups gnomAD compares: Non-Finnish European, 0.000085%; no homozygotes.

Submission:

Labcorp Genetics (formerly Invitae), Labcorp
Classification: Uncertain significance for Epidermolysis bullosa simplex 3, localized or generalized intermediate, with BP230 deficiency; Hereditary sensory and autonomic neuropathy type 6. Last evaluated: 2019-04-20. Review status: criteria provided, single submitter. Criteria: Invitae Variant Classification Sherloc (09022015). Collection method: clinical testing. Allele origin: germline.
Comment: Algorithms developed to predict the effect of missense changes on protein structure and function are either unavailable or do not agree on the potential impact of this missense change (SIFT: "Tolerated"; PolyPhen-2: "Not Available"; Align-GVGD: "Class C0"). This sequence change replaces valine with isoleucine at codon 1880 of the DST protein (p.Val1880Ile). The valine residue is weakly conserved and there is a small physicochemical difference between valine and isoleucine. The DST gene has multiple clinically relevant transcripts. The Val1880Ile variant occurs in alternate transcript NM_015548.4, which corresponds to c.*42723G>A in NM_001723.5, the primary transcript listed in the Methods. This variant is not present in population databases (ExAC no frequency). This variant has not been reported in the literature in individuals with DST-related conditions. In summary, the available evidence is currently insufficient to determine the role of this variant in disease. Therefore, it has been classified as a Variant of Uncertain Significance.